The following continues an entry in ClinVar:

NM_000038.6(APC):c.646C>T (p.Arg216Ter)

Gene: APC. ClinVar aggregate classification (germline): Pathogenic. Pathogenic (16). ClinVar aggregate classification (oncogenicity): Oncogenic.

Submissions 10 to 18 of 18:

All of Us Research Program, National Institutes of Health
Classification: Pathogenic for Classic or attenuated familial adenomatous polyposis. Last evaluated: 2023-05-31. Review status: criteria provided, single submitter. Criteria: ACMG Guidelines, 2015. Collection method: clinical testing. Allele origin: germline. Inheritance: Autosomal dominant inheritance. Observed: 1 variant allele, 1 heterozygote.
Comment: The c.646C>T (p.Arg216*) variant in the APC gene is located on the exon 7 and introduces a premature translation termination codon (p.Arg216*), resulting in an absent or disrupted protein product. The variant has been identified in multiple individuals with familial adenomatous polyposis/colorectal cancer (PMID: 32504335, 33279946, 26917275, 26900293, 31062380, 19531215). Loss-of-function variants of APC are known to be pathogenic (PMID: 1338904, 17963004). The variant is reported in ClinVar as pathogenic (ID: 127312). The variant is rare in the general population according to gnomAD (1/250150). Therefore, the c.646C>T (p.Arg216*) variant of APC has been classified as pathogenic.

This study involves interpretation of variants in research participants for the purpose of population health screening. Participant phenotype was not available at the time of variant classification. Additional details can be found in publication PMID: 35346344, PMCID: PMC8962531

Myriad Genetics, Inc.
Classification: Pathogenic for Familial adenomatous polyposis 1. Last evaluated: 2023-04-27. Review status: criteria provided, single submitter. Criteria: Myriad Autosomal Dominant, Autosomal Recessive and X-Linked Classification Criteria (2023). Collection method: clinical testing. Allele origin: unknown.
Comment: This variant is considered pathogenic. This variant creates a termination codon and is predicted to result in premature protein truncation.

Baylor Genetics
Classification: Pathogenic for Familial adenomatous polyposis 1. Last evaluated: 2023-02-08. Review status: criteria provided, single submitter. Criteria: ACMG Guidelines, 2015. Collection method: clinical testing. Allele origin: unknown.

Women's Health and Genetics/Laboratory Corporation of America, LabCorp
Classification: Pathogenic for Familial multiple polyposis syndrome. Last evaluated: 2022-07-18. Review status: criteria provided, single submitter. Criteria: LabCorp Variant Classification Summary - May 2015. Collection method: clinical testing. Allele origin: germline.
Comment: Variant summary: APC c.646C>T (p.Arg216X) results in a premature termination codon, predicted to cause a truncation of the encoded protein or absence of the protein due to nonsense mediated decay, which are commonly known mechanisms for disease. Truncations downstream of this position have been classified as pathogenic by our laboratory. The variant allele was found at a frequency of 4e-06 in 250150 control chromosomes (gnomAD). c.646C>T has been reported in the literature in individuals affected with Familial Adenomatous Polyposis (Aretz_2004, Rivera_2010). These data indicate that the variant is likely to be associated with disease. To our knowledge, no experimental evidence demonstrating an impact on protein function has been reported. Six ClinVar submitters (evaluation after 2014) cite the variant as pathogenic. Based on the evidence outlined above, the variant was classified as pathogenic.

GeneDx
Classification: Pathogenic. Last evaluated: 2021-11-29. Review status: criteria provided, single submitter. Criteria: GeneDx Variant Classification Process June 2021. Collection method: clinical testing. Allele origin: germline. Affected: yes.
Comment: Nonsense variant predicted to result in protein truncation or nonsense mediated decay in a gene for which loss-of-function is a known mechanism of disease; Not observed at significant frequency in large population cohorts (Lek et al., 2016); This variant is associated with the following publications: (PMID: 8882870, 18433509, 16134147, 19347965, 25525159, 10470088, 14523376, 26446593, 20924072, 20685668, 11960572, 12173026, 11741105, 8187091, 20223039, 17486639, 17604324, 10083733, 17411426, 16088911, 19531215, 19029688, 16317745, 25907321, 31062380, 29122597, 31278746, 31852928)

Revvity Omics, Revvity
Classification: Pathogenic. Last evaluated: 2019-08-13. Review status: criteria provided, single submitter. Criteria: ACMG Guidelines, 2015. Collection method: clinical testing. Allele origin: germline.

Fulgent Genetics
Classification: Pathogenic for Colorectal cancer; Hepatocellular carcinoma; Desmoid disease, hereditary; Familial adenomatous polyposis 1; Gastric cancer. Last evaluated: 2018-10-31. Review status: criteria provided, single submitter. Criteria: ACMG Guidelines, 2015. Collection method: clinical testing. Allele origin: unknown.

Juno Genomics, Hangzhou Juno Genomics, Inc
Classification: Pathogenic for Familial adenomatous polyposis 1; Colorectal cancer; Desmoid disease, hereditary; Gastric adenocarcinoma and proximal polyposis of the stomach; Gastric cancer; Hepatocellular carcinoma. Review status: criteria provided, single submitter. Criteria: ACMG Guidelines, 2015. Collection method: clinical testing. Allele origin: germline. Affected: yes.
Comment: Null variant in a gene where loss of function (LOF) is a known mechanism of disease.;Absent from controls (or at extremely low frequency if recessive) in Genome Aggregation Database, Exome Sequencing Project, 1000 Genomes Project, or Exome Aggregation Consortium.;The prevalence of the variant in affected individuals is significantly increased compared to the prevalence in controls.;Patient's phenotype or family history is highly specific for a disease with a single genetic etiology.

Department of Pathology and Laboratory Medicine, Sinai Health System
Classification: Pathogenic. Review status: no assertion criteria provided. Collection method: clinical testing. Allele origin: unknown. Affected: yes. Study: The Canadian Open Genetics Repository (COGR). Not counted in ClinVar's aggregate classification.
Comment: The APC p.Arg216X variant was identified in the literature in 20 of 4024 proband chromosomes (frequency: 0.005) from individuals or families with familial adenomatous polyposis (Friedl 2005, Gomez-Fernandez 2009, Kanter-Smoler 2008, Miyaki 1994 8187091, Plawski 2008, Rivera 2011, Schwarzova 2012, Strekova 2007). The variant was also identified in several databases: GeneInsight COGR (submitted by a clinical laboratory), Clinvitae (classified as â€šÃ„Ãºpathogenicâ€šÃ„Ã¹ by Emory Genetics), UMD (40X, classified as â€šÃ„Ãºcausalâ€šÃ„Ã¹), InSiGHT Colon Cancer Database (32X), Zhejiang Colon Cancer Database, and ClinVar (classified as pathogenic by GeneDX). The p.Arg216X variant leads to a premature stop codon at position 216, which is predicted to lead to a truncated or absent protein and loss of function. Loss of function variants of the APC gene are an established mechanism of disease in familial adenomatous polyposis and is the type of variant expected to cause the disorder. In summary, based on the above information, this variant meets our laboratoryâ€šÃ„Ã´s criteria to be classified as pathogenic.

Literature cited by the submitters: PubMed 17963004 (cited by Labcorp Genetics (formerly Invitae), Labcorp and All of Us Research Program, National Institutes of Health); PubMed 20685668 (cited by Labcorp Genetics (formerly Invitae), Labcorp and Ambry Genetics); PubMed 10470088 (cited by 3 submitters); PubMed 15108286 (cited by Labcorp Genetics (formerly Invitae), Labcorp); PubMed 16088911 (cited by 3 submitters); PubMed 17411426 (cited by 3 submitters); PubMed 19531215 (cited by 4 submitters); PubMed 23159591 (cited by Labcorp Genetics (formerly Invitae), Labcorp and Ambry Genetics); PubMed 26446593 (cited by Labcorp Genetics (formerly Invitae), Labcorp and Ambry Genetics); PubMed 25525159 (cited by Quest Diagnostics Nichols Institute San Juan Capistrano); PubMed 11741105 (cited by Quest Diagnostics Nichols Institute San Juan Capistrano); PubMed 8187091 (cited by Quest Diagnostics Nichols Institute San Juan Capistrano and Ambry Genetics); PubMed 20223039 (cited by Quest Diagnostics Nichols Institute San Juan Capistrano and Ambry Genetics); PubMed 17486639 (cited by Quest Diagnostics Nichols Institute San Juan Capistrano); PubMed 17604324 (cited by Quest Diagnostics Nichols Institute San Juan Capistrano); PubMed 18433509 (cited by Quest Diagnostics Nichols Institute San Juan Capistrano and Ambry Genetics); PubMed 20924072 (cited by 3 submitters); PubMed 10083733 (cited by Quest Diagnostics Nichols Institute San Juan Capistrano and Ambry Genetics); PubMed 19029688 (cited by Quest Diagnostics Nichols Institute San Juan Capistrano and Ambry Genetics); PubMed 33279946 (cited by 3 submitters); PubMed 33352971 (cited by Quest Diagnostics Nichols Institute San Juan Capistrano and Ambry Genetics); PubMed 10346819 (cited by Center for Genomic Medicine, Rigshospitalet, Copenhagen University Hospital); PubMed 31278746 (cited by Ambry Genetics); PubMed 1338904 (cited by All of Us Research Program, National Institutes of Health); PubMed 26900293 (cited by All of Us Research Program, National Institutes of Health); PubMed 26917275 (cited by All of Us Research Program, National Institutes of Health); PubMed 31062380 (cited by All of Us Research Program, National Institutes of Health); PubMed 32504335 (cited by All of Us Research Program, National Institutes of Health); PubMed 14523376 (cited by Women's Health and Genetics/Laboratory Corporation of America, LabCorp).